The following is an entry in ClinVar:

NM_001690.4(ATP6V1A):c.584A>G (p.Glu195Gly)

Gene: ATP6V1A (ATPase H+ transporting V1 subunit A; plus strand). Cytogenetic location: 3q13.31.
Variant type: single nucleotide variant.
Coding change: c.584A>G on transcript NM_001690.4 (MANE Select); coding-DNA position 584, A replaced by G.
Protein change: p.Glu195Gly; replaces glutamic acid 195 with glycine.
Molecular consequence: missense variant.
Genome position (GRCh38, 1-based): chr3:113,786,251, A>G. VCF-style: chr3-113786251-A-G. GRCh37 (hg19) VCF-style: chr3-113505098-A-G.
Other names: c.584A>G (NM_001690.3); short protein forms E195G.
Identifiers: ClinVar variation 2894289 (VCV002894289.4), dbSNP rs773856060, ClinGen allele CA2547879.

ClinVar aggregate classification (germline): Uncertain significance. Review status: criteria provided, multiple submitters, no conflicts (2 of 4 stars). 2 submissions from 2 submitters: Uncertain significance (2). Last evaluated 2025-08-03.

Conditions:
Inborn genetic diseases. Identifiers: MedGen C0950123, MeSH D030342.

Allele frequency attached by ClinVar (database versions not stated): TOPMed 0.00001; gnomAD 0.00002; gnomAD exomes 0.00006; ExAC 0.00005.
gnomAD v4.1: 90 of 1,608,388 alleles (0.0056%); highest among the groups gnomAD compares: Non-Finnish European, 0.0076%; no homozygotes.

Submissions (2):

Labcorp Genetics (formerly Invitae), Labcorp
Classification: Uncertain significance. Last evaluated: 2025-08-03. Review status: criteria provided, single submitter. Criteria: Invitae Variant Classification Sherloc (09022015). Collection method: clinical testing. Allele origin: germline.
Comment: This sequence change replaces glutamic acid, which is acidic and polar, with glycine, which is neutral and non-polar, at codon 195 of the ATP6V1A protein (p.Glu195Gly). This variant is present in population databases (rs773856060, gnomAD 0.007%). This variant has not been reported in the literature in individuals affected with ATP6V1A-related conditions. ClinVar contains an entry for this variant (Variation ID: 2894289). Invitae Evidence Modeling of protein sequence and biophysical properties (such as structural, functional, and spatial information, amino acid conservation, physicochemical variation, residue mobility, and thermodynamic stability) indicates that this missense variant is not expected to disrupt ATP6V1A protein function with a negative predictive value of 80%. In summary, the available evidence is currently insufficient to determine the role of this variant in disease. Therefore, it has been classified as a Variant of Uncertain Significance.

Ambry Genetics
Classification: Uncertain significance for Inborn genetic diseases. Last evaluated: 2025-01-01. Review status: criteria provided, single submitter. Criteria: Ambry Variant Classification Scheme 2023. Collection method: clinical testing. Allele origin: germline.